The following is an entry in ClinVar:

ClinVar aggregate classification (germline): Likely benign. Review status: criteria provided, multiple submitters, no conflicts (2 of 4 stars). 2 submissions from 2 submitters: Likely benign (2). Last evaluated 2026-01-15.

Allele frequency attached by ClinVar (database versions not stated): gnomAD 0.00004; TOPMed 0.00004; ExAC 0.00007; gnomAD exomes 0.00008.
gnomAD v4.1: 118 of 1,612,850 alleles (0.0073%); highest among the groups gnomAD compares: Non-Finnish European, 0.0094%; no homozygotes.

Submissions (2):

Labcorp Genetics (formerly Invitae), Labcorp
Classification: Likely benign. Last evaluated: 2026-01-15. Review status: criteria provided, single submitter. Criteria: Invitae Variant Classification Sherloc (09022015). Collection method: clinical testing. Allele origin: germline.

CeGaT Center for Human Genetics Tuebingen
Classification: Likely benign. Last evaluated: 2022-05-01. Review status: criteria provided, single submitter. Criteria: CeGaT Center For Human Genetics Tuebingen Variant Classification Criteria Version 2. Collection method: clinical testing. Allele origin: germline. Affected: yes. Observed: 1 variant allele.
Comment: DCHS1: BP4, BP7

NM_003737.4(DCHS1):c.5847G>A (p.Thr1949=)

Gene: DCHS1 (dachsous cadherin-related 1; minus strand). Cytogenetic location: 11p15.4.
Variant type: single nucleotide variant.
Coding change: c.5847G>A on transcript NM_003737.4 (MANE Select); coding-DNA position 5847, G replaced by A.
Protein change: p.Thr1949=; no amino-acid change (threonine 1949 retained).
Molecular consequence: synonymous variant.
Genome position (GRCh38, 1-based): chr11:6,627,192, C>T on the plus strand (G>A on the coding strand, the complement: DCHS1 is on the minus strand). VCF-style: chr11-6627192-C-T. GRCh37 (hg19) VCF-style: chr11-6648423-C-T.
Identifiers: ClinVar variation 2081176 (VCV002081176.28), dbSNP rs532399859, ClinGen allele CA5860013.